The following is an entry in ClinVar:

NM_006208.3(ENPP1):c.91C>T (p.Arg31Trp)

Gene: ENPP1 (ectonucleotide pyrophosphatase/phosphodiesterase 1; plus strand). Cytogenetic location: 6q23.2.
Variant type: single nucleotide variant.
Coding change: c.91C>T on transcript NM_006208.3 (MANE Select); coding-DNA position 91, C replaced by T.
Protein change: p.Arg31Trp; replaces arginine 31 with tryptophan.
Molecular consequence: missense variant.
Genome position (GRCh38, 1-based): chr6:131,808,126, C>T. VCF-style: chr6-131808126-C-T. GRCh37 (hg19) VCF-style: chr6-132129266-C-T.
Other names: short protein forms R31W.
Identifiers: ClinVar variation 4803499 (VCV004803499.1).

ClinVar aggregate classification (germline): Uncertain significance (1 of 4 stars; one submission).

Submission:

Labcorp Genetics (formerly Invitae), Labcorp
Classification: Uncertain significance. Last evaluated: 2025-10-23. Review status: criteria provided, single submitter. Criteria: Invitae Variant Classification Sherloc (09022015). Collection method: clinical testing. Allele origin: germline.
Comment: This sequence change replaces arginine, which is basic and polar, with tryptophan, which is neutral and slightly polar, at codon 31 of the ENPP1 protein (p.Arg31Trp). The frequency data for this variant in the population databases is considered unreliable, as metrics indicate insufficient coverage at this position in the gnomAD database. This variant has not been reported in the literature in individuals affected with ENPP1-related conditions. An algorithm developed to predict the effect of missense changes on protein structure and function (PolyPhen-2) suggests that this variant is likely to be tolerated. In summary, the available evidence is currently insufficient to determine the role of this variant in disease. Therefore, it has been classified as a Variant of Uncertain Significance.